The following is an entry in ClinVar:

ClinVar aggregate classification (germline): Uncertain significance (1 of 4 stars; one submission).

Conditions:
Cardiomyopathy (CMYO). Also called: Cardiomyopathies. Identifiers: Orphanet 167848, MedGen C0878544, MONDO:0004994, HP:0001638. Inheritance: Various modes of inheritance.

Submission:

Color Diagnostics, LLC DBA Color Health
Classification: Uncertain significance for Cardiomyopathy. Last evaluated: 2023-12-04. Review status: criteria provided, single submitter. Criteria: ACMG Guidelines, 2015. Collection method: clinical testing. Allele origin: germline.
Comment: This missense variant replaces alanine with threonine at codon 265 of the TMEM43 protein. Computational prediction is inconclusive regarding the impact of this variant on protein structure and function (internally defined REVEL score threshold 0.5 < inconclusive < 0.7, PMID: 27666373). To our knowledge, functional studies have not been reported for this variant. This variant has not been reported in individuals affected with TMEM43-related disorders in the literature. This variant has not been identified in the general population by the Genome Aggregation Database (gnomAD). The available evidence is insufficient to determine the role of this variant in disease conclusively. Therefore, this variant is classified as a Variant of Uncertain Significance.

NM_024334.3(TMEM43):c.793G>A (p.Ala265Thr)

Gene: TMEM43 (transmembrane protein 43; plus strand). Cytogenetic location: 3p25.1.
Variant type: single nucleotide variant.
Coding change: c.793G>A on transcript NM_024334.3 (MANE Select); coding-DNA position 793, G replaced by A.
Protein change: p.Ala265Thr; replaces alanine 265 with threonine.
Molecular consequence: missense variant.
Genome position (GRCh38, 1-based): chr3:14,135,819, G>A. VCF-style: chr3-14135819-G-A. GRCh37 (hg19) VCF-style: chr3-14177319-G-A.
Other names: c.796G>A, p.Ala266Thr (NM_001407274.1); c.790G>A, p.Ala264Thr (NM_001407275.1, NM_001407277.1); c.793G>A, p.Ala265Thr (NM_001407276.1); c.778G>A, p.Ala260Thr (NM_001407278.1); c.718G>A, p.Ala240Thr (NM_001407279.1); c.643G>A, p.Ala215Thr (NM_001407280.1); short protein forms A215T, A266T, A264T, A260T, A240T, A265T.
Identifiers: ClinVar variation 2774608 (VCV002774608.2), dbSNP rs2470191106, ClinGen allele CA351535883.